The following is an entry in ClinVar:

NM_001114753.3(ENG):c.1273-6C>G

Genes: ENG (endoglin; minus strand), LOC102723566 (uncharacterized LOC102723566; plus strand). Cytogenetic location: 9q34.11.
Variant type: single nucleotide variant.
Coding change: c.1273-6C>G on transcript NM_001114753.3 (MANE Select); 6 bases into the intron before coding-DNA position 1273, C replaced by G.
Molecular consequence: intron variant.
Genome position (GRCh38, 1-based): chr9:127,819,666, G>C on the plus strand (C>G on the coding strand, the complement: ENG is on the minus strand). VCF-style: chr9-127819666-G-C. GRCh37 (hg19) VCF-style: chr9-130581945-G-C.
Other names: c.1273-6C>G (NM_000118.4); c.727-6C>G (NM_001278138.2).
Identifiers: ClinVar variation 4870407 (VCV004870407.1).

ClinVar aggregate classification (germline): Uncertain significance (1 of 4 stars; one submission).

Conditions:
Cardiovascular phenotype. Identifiers: MedGen CN230736.

Submission:

Ambry Genetics
Classification: Uncertain significance for Cardiovascular phenotype. Last evaluated: 2026-05-04. Review status: criteria provided, single submitter. Criteria: Ambry Variant Classification Scheme 2023. Collection method: clinical testing. Allele origin: germline.
Comment: The c.1273-6C>G intronic variant results from a C to G substitution 6 nucleotides upstream from coding exon 10 in the ENG gene. This nucleotide position is poorly conserved in available vertebrate species. In silico splice site analysis predicts that this alteration will not have any significant effect on splicing. RNA studies have demonstrated that this variant results in a splice defect; the clinical impact of this abnormal splicing is unknown at this time (Ambry internal data). Based on the available evidence, the clinical significance of this variant remains unclear.